The following is an entry in ClinVar:

ClinVar aggregate classification (germline): Uncertain significance (1 of 4 stars; one submission).

Conditions:
Arrhythmogenic right ventricular dysplasia 9 (ARVD9). Also called: Arrhythmogenic Right Ventricular Dysplasia/Cardiomyopathy 9; ARRHYTHMOGENIC RIGHT VENTRICULAR DYSPLASIA, FAMILIAL, 9. Identifiers: MedGen C1836906, MONDO:0012180, OMIM 609040.

Submission:

Labcorp Genetics (formerly Invitae), Labcorp
Classification: Uncertain significance for Arrhythmogenic right ventricular dysplasia 9. Last evaluated: 2022-12-13. Review status: criteria provided, single submitter. Criteria: Invitae Variant Classification Sherloc (09022015). Collection method: clinical testing. Allele origin: germline.
Comment: In summary, the available evidence is currently insufficient to determine the role of this variant in disease. Therefore, it has been classified as a Variant of Uncertain Significance. Algorithms developed to predict the effect of missense changes on protein structure and function are either unavailable or do not agree on the potential impact of this missense change (SIFT: "Deleterious"; PolyPhen-2: "Benign"; Align-GVGD: "Class C0"). ClinVar contains an entry for this variant (Variation ID: 1487460). This missense change has been observed in individual(s) with clinical features of PKP2-related conditions (PMID: 27532257; Inviate). This variant is not present in population databases (gnomAD no frequency). This sequence change replaces serine, which is neutral and polar, with arginine, which is basic and polar, at codon 172 of the PKP2 protein (p.Ser172Arg).

Literature cited by the submitters: PubMed 27532257.

NM_001005242.3(PKP2):c.514A>C (p.Ser172Arg)

Gene: PKP2 (plakophilin 2; minus strand). Cytogenetic location: 12p11.21.
Variant type: single nucleotide variant.
Coding change: c.514A>C on transcript NM_001005242.3 (MANE Select); coding-DNA position 514, A replaced by C.
Protein change: p.Ser172Arg; replaces serine 172 with arginine.
Molecular consequence: missense variant.
Genome position (GRCh38, 1-based): chr12:32,878,366, T>G on the plus strand (A>C on the coding strand, the complement: PKP2 is on the minus strand). VCF-style: chr12-32878366-T-G. GRCh37 (hg19) VCF-style: chr12-33031300-T-G.
Other names: c.514A>C, p.Ser172Arg (NM_004572.4); short protein forms S172R.
Identifiers: ClinVar variation 1487460 (VCV001487460.8), dbSNP rs2137949935, ClinGen allele CA384364801.